The following is an entry in ClinVar:

ClinVar aggregate classification (germline): Uncertain significance (1 of 4 stars; one submission).

Submission:

GeneDx
Classification: Uncertain significance. Last evaluated: 2024-10-01. Review status: criteria provided, single submitter. Criteria: GeneDx Variant Classification Process June 2021. Collection method: clinical testing. Allele origin: germline. Affected: yes.
Comment: Not observed at significant frequency in large population cohorts (gnomAD); In silico analysis indicates that this missense variant does not alter protein structure/function; Has not been previously published as pathogenic or benign to our knowledge

NM_013275.6(ANKRD11):c.1703C>T (p.Ser568Phe)

Gene: ANKRD11 (ankyrin repeat domain containing 11; minus strand). Cytogenetic location: 16q24.3.
Variant type: single nucleotide variant.
Coding change: c.1703C>T on transcript NM_013275.6 (MANE Select); coding-DNA position 1703, C replaced by T.
Protein change: p.Ser568Phe; replaces serine 568 with phenylalanine.
Molecular consequence: missense variant.
Genome position (GRCh38, 1-based): chr16:89,284,839, G>A on the plus strand (C>T on the coding strand, the complement: ANKRD11 is on the minus strand). VCF-style: chr16-89284839-G-A. GRCh37 (hg19) VCF-style: chr16-89351247-G-A.
Other names: c.1703C>T, p.Ser568Phe (NM_001256182.2, NM_001256183.2); short protein forms S568F.
Identifiers: ClinVar variation 3776425 (VCV003776425.1).